The following is an entry in ClinVar:

NM_004385.5(VCAN):c.9047C>A (p.Ala3016Glu)

Genes: VCAN (versican; plus strand), VCAN-AS1 (VCAN antisense RNA 1; minus strand). Cytogenetic location: 5q14.3.
Variant type: single nucleotide variant.
Coding change: c.9047C>A on transcript NM_004385.5 (MANE Select); coding-DNA position 9047, C replaced by A.
Protein change: p.Ala3016Glu; replaces alanine 3016 with glutamic acid.
Molecular consequence: missense variant. On other transcripts: intron variant (2).
Genome position (GRCh38, 1-based): chr5:83,542,050, C>A. VCF-style: chr5-83542050-C-A. GRCh37 (hg19) VCF-style: chr5-82837869-C-A.
Other names: c.6086C>A, p.Ala2029Glu (NM_001164097.2); c.4004-3487C>A (NM_001164098.2); c.1043-3487C>A (NM_001126336.3); c.9047C>A (NM_004385.4); short protein forms A2029E, A3016E.
Identifiers: ClinVar variation 4796832 (VCV004796832.2).
Genomic context (GRCh38, chr5:83,542,050, plus strand): 5'-CACAGACTTCTGAGAGGCCCACGCTTTCTTCTTCTCCAGAAATAAACCCTGAAACTCAAG[C>A]AGCTTTAATCAGAGGGCAGGATTCCACGATAGCAGCATCAGAACAGCAAGTGGCAGCGAG-3'
Protein context (NP_004376.2, residues 3006-3026): SSPEINPETQ[Ala3016Glu]ALIRGQDSTI

ClinVar aggregate classification (germline): Uncertain significance. Review status: criteria provided, multiple submitters, no conflicts (2 of 4 stars). 2 submissions from 2 submitters: Uncertain significance (2). Last evaluated 2026-05-11.

Conditions:
VCAN-related disorder. Also called: VCAN-related condition.

gnomAD v4.1: 54 of 1,610,784 alleles (0.0034%); highest among the groups gnomAD compares: Non-Finnish European, 0.0039%; no homozygotes.

Submissions (2):

PreventionGenetics, part of Exact Sciences
Classification: Uncertain significance for VCAN-related condition. Last evaluated: 2026-05-11. Review status: criteria provided, single submitter. Criteria: ACMG Guidelines, 2015. Collection method: clinical testing. Allele origin: germline.
Comment: The VCAN c.9047C>A variant is predicted to result in the amino acid substitution p.Ala3016Glu. To our knowledge, this variant has not been reported in the literature or in a large population database (gnomAD), indicating this variant is rare. At this time, the clinical significance of this variant is uncertain due to the absence of conclusive functional and genetic evidence.

Labcorp Genetics (formerly Invitae), Labcorp
Classification: Uncertain significance. Last evaluated: 2025-08-22. Review status: criteria provided, single submitter. Criteria: Invitae Variant Classification Sherloc (09022015). Collection method: clinical testing. Allele origin: germline.
Comment: This sequence change replaces alanine, which is neutral and non-polar, with glutamic acid, which is acidic and polar, at codon 3016 of the VCAN protein (p.Ala3016Glu). This variant is present in population databases (rs375195458, gnomAD 0.0009%). This variant has not been reported in the literature in individuals affected with VCAN-related conditions. An algorithm developed to predict the effect of missense changes on protein structure and function (PolyPhen-2) suggests that this variant is likely to be tolerated. In summary, the available evidence is currently insufficient to determine the role of this variant in disease. Therefore, it has been classified as a Variant of Uncertain Significance.